The following is an entry in ClinVar:

NM_004415.4(DSP):c.5553G>C (p.Gln1851His)

Gene: DSP (desmoplakin; plus strand). Cytogenetic location: 6p24.3.
Variant type: single nucleotide variant.
Coding change: c.5553G>C on transcript NM_004415.4 (MANE Select); coding-DNA position 5553, G replaced by C.
Protein change: p.Gln1851His; replaces glutamine 1851 with histidine.
Molecular consequence: missense variant.
Genome position (GRCh38, 1-based): chr6:7,582,815, G>C. VCF-style: chr6-7582815-G-C. GRCh37 (hg19) VCF-style: chr6-7583048-G-C.
Other names: c.3756G>C, p.Gln1252His (NM_001008844.3); c.4224G>C, p.Gln1408His (NM_001319034.2); short protein forms Q1408H, Q1851H, Q1252H.
Identifiers: ClinVar variation 920742 (VCV000920742.3), dbSNP rs1259972571, ClinGen allele CA362688875.

ClinVar aggregate classification (germline): Uncertain significance (1 of 4 stars; one submission).

Conditions:
Cardiomyopathy (CMYO). Also called: Cardiomyopathies. Identifiers: Orphanet 167848, MedGen C0878544, MONDO:0004994, HP:0001638. Inheritance: Various modes of inheritance.

Submission:

Color Diagnostics, LLC DBA Color Health
Classification: Uncertain significance for Cardiomyopathy. Last evaluated: 2019-02-28. Review status: criteria provided, single submitter. Criteria: ACMG Guidelines, 2015. Collection method: clinical testing. Allele origin: germline.
Comment: Variant of Uncertain Significance due to insufficient evidence: This missense variant replaces glutamine with histidine at codon 1851 of the DSP protein. Computational prediction tools and conservation analyses are inconclusive regarding the impact of this variant on the protein function. Computational splicing tools suggest that this variant may not impact RNA splicing. To our knowledge, functional assays have not been performed for this variant nor has this variant been reported in individuals affected with cardiovascular disorders in the literature. This variant is rare in the general population and has been identified in 0/277264 chromosomes by the Genome Aggregation Database (gnomAD). Available evidence is insufficient to determine the role of this variant in disease conclusively.